The following is an entry in ClinVar:

NM_177550.5(SLC13A5):c.1056-262T>C

Gene: SLC13A5 (solute carrier family 13 member 5; minus strand). Cytogenetic location: 17p13.1.
Variant type: single nucleotide variant.
Coding change: c.1056-262T>C on transcript NM_177550.5 (MANE Select); 262 bases into the intron before coding-DNA position 1056, T replaced by C.
Molecular consequence: intron variant.
Genome position (GRCh38, 1-based): chr17:6,694,459, A>G on the plus strand (T>C on the coding strand, the complement: SLC13A5 is on the minus strand). VCF-style: chr17-6694459-A-G. GRCh37 (hg19) VCF-style: chr17-6597778-A-G.
Other names: c.927-262T>C (NM_001284510.2); c.1005-262T>C (NM_001284509.2); c.1056-262T>C (NM_001143838.3).
Identifiers: ClinVar variation 669407 (VCV000669407.1), dbSNP rs218686, ClinGen allele CA287387034.

ClinVar aggregate classification (germline): Benign (1 of 4 stars; one submission).

Allele frequency attached by ClinVar (database versions not stated): gnomAD 0.12569 and 0.12851; 1000 Genomes Project 0.13099; 1000 Genomes Project 30x 0.13226; TOPMed 0.13388.
gnomAD v4.1: 19,070 of 152,116 alleles (13%); highest among the groups gnomAD compares: African/African-American, 26%; 1,767 homozygotes.

Submission:

GeneDx
Classification: Benign. Last evaluated: 2018-06-14. Review status: criteria provided, single submitter. Criteria: GeneDx Variant Classification (06012015). Collection method: clinical testing. Allele origin: germline. Affected: yes.
Comment: This variant is considered likely benign or benign based on one or more of the following criteria: it is a conservative change, it occurs at a poorly conserved position in the protein, it is predicted to be benign by multiple in silico algorithms, and/or has population frequency not consistent with disease.